The following is an entry in ClinVar:

NM_181486.4(TBX5):c.484A>G (p.Asn162Asp)

Gene: TBX5 (T-box transcription factor 5; minus strand). Cytogenetic location: 12q24.21.
Variant type: single nucleotide variant.
Coding change: c.484A>G on transcript NM_181486.4 (MANE Select); coding-DNA position 484, A replaced by G.
Protein change: p.Asn162Asp; replaces asparagine 162 with aspartic acid.
Molecular consequence: missense variant.
Genome position (GRCh38, 1-based): chr12:114,398,599, T>C on the plus strand (A>G on the coding strand, the complement: TBX5 is on the minus strand). VCF-style: chr12-114398599-T-C. GRCh37 (hg19) VCF-style: chr12-114836404-T-C.
Other names: c.484A>G, p.Asn162Asp (NM_000192.3); c.334A>G, p.Asn112Asp (NM_080717.4); short protein forms N112D, N162D.
Identifiers: ClinVar variation 855676 (VCV000855676.9), dbSNP rs1871568678, ClinGen allele CA386861997.
Genomic context (GRCh38, chr12:114,398,599, plus strand): 5'-AGACAAGGCGGGGAATCCAGGCCACGGTACTCACATGCCCAAATGGGTCCAGGTGGTTGT[T>C]GGTGAGCTTGAGTTTCTGGAAGGAGACGAGCTGCCTCATCCAATGCGCCCCGGTGGCGGG-3'
Protein context (NP_852259.1, residues 152-172): LVSFQKLKLT[Asn162Asp]NHLDPFGHII

ClinVar aggregate classification (germline): Conflicting classifications of pathogenicity. Review status: criteria provided, conflicting classifications (1 of 4 stars). 2 submissions from 2 submitters: Pathogenic (1); Uncertain significance (1). Last evaluated 2022-04-26.

Conditions:
Aortic valve disease 2 (AOVD2). Identifiers: MedGen C3542024, MONDO:0013902, OMIM 614823.

Submissions (2):

GeneDx
Classification: Uncertain significance. Last evaluated: 2022-04-26. Review status: criteria provided, single submitter. Criteria: GeneDx Variant Classification Process June 2021. Collection method: clinical testing. Allele origin: germline. Affected: yes.
Comment: Not observed at significant frequency in large population cohorts (gnomAD); In silico analysis supports that this missense variant has a deleterious effect on protein structure/function; Has not been previously published as pathogenic or benign to our knowledge

Labcorp Genetics (formerly Invitae), Labcorp
Classification: Pathogenic for Aortic valve disease 2. Last evaluated: 2022-02-10. Review status: criteria provided, single submitter. Criteria: Invitae Variant Classification Sherloc (09022015). Collection method: clinical testing. Allele origin: germline.
Comment: This sequence change replaces asparagine, which is neutral and polar, with aspartic acid, which is acidic and polar, at codon 162 of the TBX5 protein (p.Asn162Asp). This variant is not present in population databases (gnomAD no frequency). This missense change has been observed in individual(s) with clinical features of Holt-Oram syndrome (Invitae). ClinVar contains an entry for this variant (Variation ID: 855676). Advanced modeling of protein sequence and biophysical properties (such as structural, functional, and spatial information, amino acid conservation, physicochemical variation, residue mobility, and thermodynamic stability) performed at Invitae indicates that this missense variant is expected to disrupt TBX5 protein function. This variant disrupts the p.Asn162 amino acid residue in TBX5. Other variant(s) that disrupt this residue have been determined to be pathogenic (Invitae). This suggests that this residue is clinically significant, and that variants that disrupt this residue are likely to be disease-causing. For these reasons, this variant has been classified as Pathogenic.